The following is an entry in ClinVar:

ClinVar aggregate classification (germline): Benign. Review status: criteria provided, multiple submitters, no conflicts (2 of 4 stars). 15 submissions from 15 submitters: Benign (12). 3 of the submissions do not count toward it. Last evaluated 2026-02-04.

Conditions:
Propionic acidemia (PROP). Also called: GLYCINEMIA, KETOTIC; HYPERGLYCINEMIA WITH KETOACIDOSIS AND LEUKOPENIA; KETOTIC HYPERGLYCINEMIA. Identifiers: Orphanet 35, MedGen C0268579, MONDO:0011628, OMIM 606054, HP:0003571.

Allele frequency attached by ClinVar (database versions not stated): 1000 Genomes Project 0.10304; 1000 Genomes Project 30x 0.10868; gnomAD 0.14192 and 0.14245; TOPMed 0.14702; gnomAD exomes 0.14748 and 0.16554; ExAC 0.14749; ESP Exome Variant Server 0.15155.
gnomAD v4.1: 260,987 of 1,601,178 alleles (16%); highest among the groups gnomAD compares: Middle Eastern, 20%; 22,787 homozygotes.

Submissions (15):

Labcorp Genetics (formerly Invitae), Labcorp
Classification: Benign for Propionic acidemia. Last evaluated: 2026-02-04. Review status: criteria provided, single submitter. Criteria: Invitae Variant Classification Sherloc (09022015). Collection method: clinical testing. Allele origin: germline.

Blueprint Genetics
Classification: Benign. Last evaluated: 2024-11-27. Review status: criteria provided, single submitter. Criteria: ACMG Guidelines, 2015. Collection method: clinical testing. Allele origin: germline.

Mayo Clinic Laboratories, Mayo Clinic
Classification: Benign. Last evaluated: 2022-04-26. Review status: criteria provided, single submitter. Criteria: ACMG Guidelines, 2015. Collection method: clinical testing. Allele origin: germline. Observed: 243 variant alleles.

Genome-Nilou Lab
Classification: Benign for Propionic acidemia. Last evaluated: 2021-09-05. Review status: criteria provided, single submitter. Criteria: ACMG Guidelines, 2015. Collection method: clinical testing. Allele origin: germline. Affected: no.

Pars Genome Lab
Classification: Benign for Propionic acidemia. Last evaluated: 2021-07-01. Review status: criteria provided, single submitter. Criteria: ACMG Guidelines, 2015. Collection method: clinical testing. Allele origin: germline. Affected: no.

Illumina Laboratory Services, Illumina
Classification: Benign for Propionic acidemia. Last evaluated: 2018-01-12. Review status: criteria provided, single submitter. Criteria: ICSL Variant Classification Criteria 13 December 2019. Collection method: clinical testing. Allele origin: germline.
Comment: This variant was observed in the ICSL laboratory as part of a predisposition screen in an ostensibly healthy population. It had not been previously curated by ICSL or reported in the Human Gene Mutation Database (HGMD: prior to June 1st, 2018), and was therefore a candidate for classification through an automated scoring system. Utilizing variant allele frequency, disease prevalence and penetrance estimates, and inheritance mode, an automated score was calculated to assess if this variant is too frequent to cause the disease. Based on the score and internal cut-off values, a variant classified as benign is not then subjected to further curation. The score for this variant resulted in a classification of benign for this disease.

Women's Health and Genetics/Laboratory Corporation of America, LabCorp
Classification: Benign. Last evaluated: 2017-03-13. Review status: criteria provided, single submitter. Criteria: LabCorp Variant Classification Summary - May 2015. Collection method: clinical testing. Allele origin: germline.
Comment: Variant summary: The PCCA c.627A>G (p.Ala209Ala) variant involves the alteration of a conserved nucleotide causing a synonymous change that 5/5 splice prediction tools predict no significant impact on normal splicing. However, these predictions have yet to be confirmed by functional studies. This variant was found in 17901/121368 control chromosomes (1483 homozygotes) at a frequency of 0.1474936, which is approximately 43 times the estimated maximal expected allele frequency for a pathogenic PCCA variant (0.003446), strong evidence that this variant is a benign polymorphism. In addition, multiple clinical diagnostic laboratories/reputable databases classified this variant as benign. Taken together, this variant is classified as benign.

Laboratory for Molecular Medicine, Mass General Brigham Personalized Medicine
Classification: Benign. Last evaluated: 2016-03-28. Review status: criteria provided, single submitter. Criteria: LMM Criteria. Collection method: clinical testing. Allele origin: germline.
Comment: Variant identified in a genome or exome case(s) and assessed due to predicted null impact of the variant or pathogenic assertions in the literature or databases. Disclaimer: This variant has not undergone full assessment. The following are preliminary notes: Frequency

GeneDx
Classification: Benign. Last evaluated: 2015-03-03. Review status: criteria provided, single submitter. Criteria: GeneDx Variant Classification Process June 2021. Collection method: clinical testing. Allele origin: germline. Affected: yes.

Eurofins Ntd Llc (ga)
Classification: Benign. Last evaluated: 2014-06-11. Review status: criteria provided, single submitter. Criteria: EGL Classification Definitions 2015. Collection method: clinical testing. Allele origin: germline. Observed: 19 variant alleles, 14 heterozygotes, 5 homozygotes.

Breakthrough Genomics
Classification: Benign. Review status: criteria provided, single submitter. Criteria: ACMG Guidelines, 2015. Collection method: not provided. Allele origin: germline. Inheritance: Autosomal recessive inheritance. Affected: yes.

PreventionGenetics, part of Exact Sciences
Classification: Benign. Review status: criteria provided, single submitter. Criteria: ACMG Guidelines, 2015. Collection method: clinical testing. Allele origin: germline.

Natera, Inc.
Classification: Benign for Propionic acidemia. Last evaluated: 2020-09-16. Review status: no assertion criteria provided. Collection method: clinical testing. Allele origin: germline. Not counted in ClinVar's aggregate classification.

Clinical Genetics, Academic Medical Center
Classification: Benign. Review status: no assertion criteria provided. Collection method: clinical testing. Allele origin: germline. Affected: yes. Study: VKGL Data-share Consensus. Not counted in ClinVar's aggregate classification.

Joint Genome Diagnostic Labs from Nijmegen and Maastricht, Radboudumc and MUMC+
Classification: Benign. Review status: no assertion criteria provided. Collection method: clinical testing. Allele origin: germline. Affected: yes. Study: VKGL Data-share Consensus. Not counted in ClinVar's aggregate classification.

NM_000282.4(PCCA):c.627A>G (p.Ala209=)

Gene: PCCA (propionyl-CoA carboxylase subunit alpha; plus strand). Cytogenetic location: 13q32.3.
Variant type: single nucleotide variant.
Coding change: c.627A>G on transcript NM_000282.4 (MANE Select); coding-DNA position 627, A replaced by G.
Protein change: p.Ala209=; no amino-acid change (alanine 209 retained).
Molecular consequence: synonymous variant. On other transcripts: 5 prime UTR variant (3), non-coding transcript variant (5).
Genome position (GRCh38, 1-based): chr13:100,235,868, A>G. VCF-style: chr13-100235868-A-G. GRCh37 (hg19) VCF-style: chr13-100888122-A-G.
Other names: p.Ala209=; c.549A>G, p.Ala183= (NM_001127692.3, NM_001352607.2, NM_001352608.2); c.627A>G, p.Ala209= (NM_001178004.2, NM_001352605.2, NM_001352606.2 and 1 more transcripts); c.-240A>G (NM_001352610.2, NM_001352611.2, NM_001352612.2).
Identifiers: ClinVar variation 198708 (VCV000198708.32), dbSNP rs538229, ClinGen allele CA203566.